The following is an entry in ClinVar:

NM_001042681.2(RERE):c.3395+5G>A

Gene: RERE (arginine-glutamic acid dipeptide repeats; minus strand). Cytogenetic location: 1p36.23.
Variant type: single nucleotide variant.
Coding change: c.3395+5G>A on transcript NM_001042681.2 (MANE Select); 5 bases into the intron after coding-DNA position 3395, G replaced by A.
Molecular consequence: intron variant.
Genome position (GRCh38, 1-based): chr1:8,360,107, C>T on the plus strand (G>A on the coding strand, the complement: RERE is on the minus strand). VCF-style: chr1-8360107-C-T. GRCh37 (hg19) VCF-style: chr1-8420167-C-T.
Other names: c.3395+5G>A (NM_012102.4); c.1733+5G>A (NM_001042682.2).
Identifiers: ClinVar variation 2471894 (VCV002471894.3), dbSNP rs571432854, ClinGen allele CA571173.
Genomic context (GRCh38, chr1:8,360,107, plus strand): 5'-CCACCAGAACTTGCCCCCACCAGCCCACCTGTGCCTGACCCGTCCTGGAGCCCTAGGAAG[C>T]GTACCTAGCTGACTGGCTGGCGTGACTGGGGGTGTCCACCACAGTGGGCTCCGGGGACGG-3'

ClinVar aggregate classification (germline): Conflicting classifications of pathogenicity. Review status: criteria provided, conflicting classifications (1 of 4 stars). 2 submissions from 2 submitters: Uncertain significance (1); Likely benign (1). Last evaluated 2024-05-01.

Conditions:
Inborn genetic diseases. Identifiers: MedGen C0950123, MeSH D030342.

Allele frequency attached by ClinVar (database versions not stated): ExAC 0.00001; gnomAD 0.00005; 1000 Genomes Project 0.00020; 1000 Genomes Project 30x 0.00031.
gnomAD v4.1: 27 of 1,576,518 alleles (0.0017%); highest among the groups gnomAD compares: Admixed American, 0.014%; no homozygotes.

Submissions (2):

GeneDx
Classification: Uncertain significance. Last evaluated: 2024-05-01. Review status: criteria provided, single submitter. Criteria: GeneDx Variant Classification Process June 2021. Collection method: clinical testing. Allele origin: germline. Affected: yes.
Comment: Has not been previously published as pathogenic or benign to our knowledge; In silico analysis suggests this variant may impact gene splicing. In the absence of RNA/functional studies, the actual effect of this sequence change is unknown.

Ambry Genetics
Classification: Likely benign for Inborn genetic diseases. Last evaluated: 2023-01-06. Review status: criteria provided, single submitter. Criteria: Ambry Variant Classification Scheme 2023. Collection method: clinical testing. Allele origin: germline.